The following is an entry in ClinVar:

ClinVar aggregate classification (germline): Pathogenic (1 of 4 stars; one submission).

Conditions:
Familial adenomatous polyposis 1 (FAP1). Also called: FAMILIAL ADENOMATOUS POLYPOSIS 1, ATTENUATED; POLYPOSIS, ADENOMATOUS INTESTINAL. Identifiers: MedGen C2713442, MONDO:0021056, OMIM 175100. Disease mechanism: loss of function.

Submission:

Labcorp Genetics (formerly Invitae), Labcorp
Classification: Pathogenic for Familial adenomatous polyposis 1. Last evaluated: 2025-12-06. Review status: criteria provided, single submitter. Criteria: Invitae Variant Classification Sherloc (09022015). Collection method: clinical testing. Allele origin: germline.
Comment: This sequence change creates a premature translational stop signal (p.Trp2101Glyfs*11) in the APC gene. While this is not anticipated to result in nonsense mediated decay, it is expected to disrupt the last 743 amino acid(s) of the APC protein. This variant is not present in population databases (gnomAD no frequency). This variant has not been reported in the literature in individuals affected with APC-related conditions. This variant is expected to disrupt the EB1 and HDLG binding sites, which mediate interactions with the cytoskeleton (PMID: 15311282, 17293347). While functional studies have not been performed to directly test the effect on APC protein function, this suggests that disruption of the C-terminal portion of the protein is functionally important. A different truncation (p.Tyr2645Lysfs*14) that lies downstream of this variant has been determined to be pathogenic (PMID: 9824584, 1316610, 27081525, 8381579, 22135120, internal data). This suggests that deletion of this region of the APC protein is causative of disease. For these reasons, this variant has been classified as Pathogenic.

Literature cited by the submitters: PubMed 15311282; PubMed 17293347; PubMed 9824584; PubMed 1316610; PubMed 27081525; PubMed 8381579; PubMed 22135120.

NM_000038.6(APC):c.6301del (p.Trp2101fs)

Gene: APC (APC regulator of Wnt signaling pathway; plus strand). Cytogenetic location: 5q22.2.
Variant type: Deletion.
Coding change: c.6301del on transcript NM_000038.6 (MANE Select); coding-DNA position 6301, one base deleted (T; older notation c.6301delT).
Protein change: p.Trp2101fs; shifts the reading frame from tryptophan 2101.
Molecular consequence: frameshift variant. On other transcripts: non-coding transcript variant (2).
Genome position (GRCh38, 1-based): chr5:112,841,895, T deleted; the last of 2 consecutive T bases (chr5:112,841,894-112,841,895); deleting either gives the same sequence. VCF-style (leftmost placement, unchanged base first): chr5-112841893-AT-A. GRCh37 (hg19) VCF-style: chr5-112177590-AT-A.
Other names: c.6247del, p.Trp2083fs (NM_001127511.3); c.6301del, p.Trp2101fs (NM_001354895.2, NM_001407450.1, NM_001127510.3); c.6355del, p.Trp2119fs (NM_001354896.2, NM_001407447.1, NM_001407448.1 and 1 more transcripts); c.6331del, p.Trp2111fs (NM_001354897.2); c.6226del, p.Trp2076fs (NM_001354898.2); c.6217del, p.Trp2073fs (NM_001354899.2); c.6178del, p.Trp2060fs (NM_001354900.2); c.6124del, p.Trp2042fs (NM_001354901.2, NM_001407453.1); and 11 more; short protein forms W1972fs, W2000fs, W1717fs, W1941fs, W1975fs, W2091fs, W2101fs, W2010fs.
Identifiers: ClinVar variation 4732609 (VCV004732609.1).